The following is an entry in ClinVar:

ClinVar aggregate classification (germline): Uncertain significance (1 of 4 stars; one submission).

Conditions:
Intellectual disability, autosomal recessive 53 (NEDHSCA). Also called: GLYCOSYLPHOSPHATIDYLINOSITOL BIOSYNTHESIS DEFECT 13; Mental retardation, autosomal recessive 53; NEURODEVELOPMENTAL DISORDER WITH OR WITHOUT HYPOTONIA, SEIZURES, AND CEREBELLAR ATROPHY. Identifiers: Orphanet 488635, MedGen C4310794, MONDO:0014832, OMIM 616917.

Allele frequency attached by ClinVar (database versions not stated): ExAC 0.00002; TOPMed 0.00003; gnomAD 0.00005.
gnomAD v4.1: 56 of 1,612,270 alleles (0.0035%); highest among the groups gnomAD compares: Middle Eastern, 0.049%; no homozygotes.

Submission:

Labcorp Genetics (formerly Invitae), Labcorp
Classification: Uncertain significance for Intellectual disability, autosomal recessive 53. Last evaluated: 2022-10-17. Review status: criteria provided, single submitter. Criteria: Invitae Variant Classification Sherloc (09022015). Collection method: clinical testing. Allele origin: germline.
Comment: This sequence change replaces proline, which is neutral and non-polar, with leucine, which is neutral and non-polar, at codon 367 of the PIGG protein (p.Pro367Leu). This variant is present in population databases (rs775569666, gnomAD 0.006%). This variant has not been reported in the literature in individuals affected with PIGG-related conditions. Advanced modeling of protein sequence and biophysical properties (such as structural, functional, and spatial information, amino acid conservation, physicochemical variation, residue mobility, and thermodynamic stability) performed at Invitae indicates that this missense variant is not expected to disrupt PIGG protein function. In summary, the available evidence is currently insufficient to determine the role of this variant in disease. Therefore, it has been classified as a Variant of Uncertain Significance.

NM_001127178.3(PIGG):c.1100C>T (p.Pro367Leu)

Gene: PIGG (phosphatidylinositol glycan anchor biosynthesis class G (EMM blood group); plus strand). Cytogenetic location: 4p16.3.
Variant type: single nucleotide variant.
Coding change: c.1100C>T on transcript NM_001127178.3 (MANE Select); coding-DNA position 1100, C replaced by T.
Protein change: p.Pro367Leu; replaces proline 367 with leucine.
Molecular consequence: missense variant. On other transcripts: 5 prime UTR variant (3), non-coding transcript variant (10).
Genome position (GRCh38, 1-based): chr4:516,171, C>T. VCF-style: chr4-516171-C-T. GRCh37 (hg19) VCF-style: chr4-509960-C-T.
Other names: c.833C>T, p.Pro278Leu (NM_001289051.2, NM_001289053.2, NM_001289057.2 and 2 more transcripts); c.701C>T, p.Pro234Leu (NM_001289052.2); c.734C>T, p.Pro245Leu (NM_001289055.2); c.71C>T, p.Pro24Leu (NM_001345988.2); c.1100C>T, p.Pro367Leu (NM_001345989.2, NM_017733.5); c.-526C>T (NM_001345990.2); c.-388C>T (NM_001345991.2); c.-113C>T (NM_001345994.2); short protein forms P278L, P234L, P367L, P245L, P24L.
Identifiers: ClinVar variation 2080984 (VCV002080984.1), dbSNP rs775569666, ClinGen allele CA2793193.
Genomic context (GRCh38, chr4:516,171, plus strand): 5'-AGTTGAGATTTTTACATTTGAATACAGTGCAGCTTAGTAAACTGTTGCAAGAGAATGTGC[C>T]GTCATATGAAAAAGGTCAGTCAACTCACCGTTTCGAGCTCTGTCAGAGCTGTGTGTTTCC-3'
Protein context (NP_001120650.1, residues 357-377): QLSKLLQENV[Pro367Leu]SYEKDPGFEQ